The following is an entry in ClinVar:

ClinVar aggregate classification (germline): Uncertain significance (0 of 4 stars; one submission).

Conditions:
BBS2-related disorder. Also called: BBS2-related disorders; BBS2-related condition. Identifiers: MedGen CN239228.

Submission:

PreventionGenetics, part of Exact Sciences
Classification: Uncertain significance for BBS2-related condition. Last evaluated: 2023-12-15. Review status: no assertion criteria provided. Collection method: clinical testing. Allele origin: germline.
Comment: The BBS2 c.1225+4A>G variant is predicted to interfere with splicing. To our knowledge, this variant has not been reported in the literature or in a large population database, indicating this variant is rare. At this time, the clinical significance of this variant is uncertain due to the absence of conclusive functional and genetic evidence.

NM_031885.5(BBS2):c.1225+4A>G

Gene: BBS2 (Bardet-Biedl syndrome 2; minus strand). Cytogenetic location: 16q13.
Variant type: single nucleotide variant.
Coding change: c.1225+4A>G on transcript NM_031885.5 (MANE Select); 4 bases into the intron after coding-DNA position 1225, A replaced by G.
Molecular consequence: intron variant.
Genome position (GRCh38, 1-based): chr16:56,501,349, T>C on the plus strand (A>G on the coding strand, the complement: BBS2 is on the minus strand). VCF-style: chr16-56501349-T-C. GRCh37 (hg19) VCF-style: chr16-56535261-T-C.
Other names: c.1225+4A>G (NM_001377456.1).
Identifiers: ClinVar variation 3348577 (VCV003348577.1).